The following is an entry in ClinVar:

ClinVar aggregate classification (germline): Uncertain significance (1 of 4 stars; one submission).

Allele frequency attached by ClinVar (database versions not stated): gnomAD exomes below 0.00001; gnomAD 0.00001.
gnomAD v4.1: 3 of 1,613,540 alleles (0.00019%); highest among the groups gnomAD compares: South Asian, 0.0011%; no homozygotes.

Submission:

Labcorp Genetics (formerly Invitae), Labcorp
Classification: Uncertain significance. Last evaluated: 2023-04-06. Review status: criteria provided, single submitter. Criteria: Invitae Variant Classification Sherloc (09022015). Collection method: clinical testing. Allele origin: germline.
Comment: This variant is not present in population databases (gnomAD no frequency). This variant has not been reported in the literature in individuals affected with ROR1-related conditions. Advanced modeling of protein sequence and biophysical properties (such as structural, functional, and spatial information, amino acid conservation, physicochemical variation, residue mobility, and thermodynamic stability) performed at Invitae indicates that this missense variant is not expected to disrupt ROR1 protein function. In summary, the available evidence is currently insufficient to determine the role of this variant in disease. Therefore, it has been classified as a Variant of Uncertain Significance. This sequence change replaces proline, which is neutral and non-polar, with serine, which is neutral and polar, at codon 153 of the ROR1 protein (p.Pro153Ser).

NM_005012.4(ROR1):c.457C>T (p.Pro153Ser)

Gene: ROR1 (receptor tyrosine kinase like orphan receptor 1; plus strand). Cytogenetic location: 1p31.3.
Variant type: single nucleotide variant.
Coding change: c.457C>T on transcript NM_005012.4 (MANE Select); coding-DNA position 457, C replaced by T.
Protein change: p.Pro153Ser; replaces proline 153 with serine.
Molecular consequence: missense variant.
Genome position (GRCh38, 1-based): chr1:64,050,691, C>T. VCF-style: chr1-64050691-C-T. GRCh37 (hg19) VCF-style: chr1-64516363-C-T.
Other names: c.457C>T, p.Pro153Ser (NM_001083592.2); short protein forms P153S.
Identifiers: ClinVar variation 2852929 (VCV002852929.3), dbSNP rs1646821615, ClinGen allele CA340712686.
Genomic context (GRCh38, chr1:64,050,691, plus strand): 5'-CACCCTCCAATAACCTAGACTGACTGTTTCTTTTGTTTTTCTTTCATTTCTTCAGGCCCC[C>T]CTCCCACTGCAAGTCCAGGATACTCGTAAGTACTTTTATCTCCTTTCTTGTCATTTCTAA-3'
Protein context (NP_005003.2, residues 143-163): TGVLFVKFGP[Pro153Ser]PTASPGYSDE